The following is an entry in ClinVar:

NM_001382567.1(STIM1):c.398C>T (p.Thr133Ile)

Gene: STIM1 (stromal interaction molecule 1; plus strand). Cytogenetic location: 11p15.4.
Variant type: single nucleotide variant.
Coding change: c.398C>T on transcript NM_001382567.1 (MANE Select); coding-DNA position 398, C replaced by T.
Protein change: p.Thr133Ile; replaces threonine 133 with isoleucine.
Molecular consequence: missense variant. On other transcripts: 5 prime UTR variant (2), non-coding transcript variant (3), intron variant (2).
Genome position (GRCh38, 1-based): chr11:4,055,538, C>T. VCF-style: chr11-4055538-C-T. GRCh37 (hg19) VCF-style: chr11-4076768-C-T.
Other names: c.176C>T, p.Thr59Ile (NM_001382573.1, NM_001382574.1, NM_001382575.1 and 5 more transcripts); c.-92C>T (NM_001382580.1, NM_001382581.1); c.398C>T, p.Thr133Ile (NM_003156.4, NM_001277961.3, NM_001277962.2 and 2 more transcripts); c.263C>T, p.Thr88Ile (NM_001382569.1); c.386-14488C>T (NM_001382570.1); c.18-3743C>T (NM_001382571.1); short protein forms T133I, T59I, T88I.
Identifiers: ClinVar variation 649321 (VCV000649321.10), dbSNP rs1590678408, ClinGen allele CA379485463.

ClinVar aggregate classification (germline): Uncertain significance (1 of 4 stars; one submission).

Conditions:
Combined immunodeficiency due to STIM1 deficiency. Also called: STIM1 DEFICIENCY; IMMUNODEFICIENCY 10. Identifiers: Orphanet 169090, Orphanet 317430, MedGen C2748557, MONDO:0013008, OMIM 612783.
Myopathy with tubular aggregates (TAM). Also called: Tubular Aggregate Myopathy. Identifiers: Orphanet 2593, MedGen C0410207, MONDO:0008051.
Stormorken syndrome (STRMK). Also called: THROMBOCYTOPATHY, ASPLENIA, AND MIOSIS. Identifiers: Orphanet 3204, MedGen C1861451, MONDO:0008497, OMIM 185070.

Submission:

Labcorp Genetics (formerly Invitae), Labcorp
Classification: Uncertain significance for Myopathy with tubular aggregates; Combined immunodeficiency due to STIM1 deficiency; Stormorken syndrome. Last evaluated: 2018-10-23. Review status: criteria provided, single submitter. Criteria: Invitae Variant Classification Sherloc (09022015). Collection method: clinical testing. Allele origin: germline.
Comment: In summary, the available evidence is currently insufficient to determine the role of this variant in disease. Therefore, it has been classified as a Variant of Uncertain Significance. Algorithms developed to predict the effect of missense changes on protein structure and function are either unavailable or do not agree on the potential impact of this missense change (SIFT: "Deleterious"; PolyPhen-2: "Probably Damaging"; Align-GVGD: "Class C0"). This variant has not been reported in the literature in individuals with STIM1-related disease. This variant is not present in population databases (ExAC no frequency). This sequence change replaces threonine with isoleucine at codon 133 of the STIM1 protein (p.Thr133Ile). The threonine residue is highly conserved and there is a moderate physicochemical difference between threonine and isoleucine.